The following is an entry in ClinVar:

ClinVar aggregate classification (germline): Likely pathogenic (1 of 4 stars; one submission).

Submission:

GeneDx
Classification: Likely pathogenic. Last evaluated: 2026-10-16. Review status: criteria provided, single submitter. Criteria: GeneDx Variant Classification Process June 2021. Collection method: clinical testing. Allele origin: germline.
Comment: Canonical splice site variant predicted to result in an in-frame loss of the adjacent exon in a gene for which loss of function is a known mechanism of disease; Not observed at significant frequency in large population cohorts (gnomAD); Has not been previously published as pathogenic or benign to our knowledge

NM_017780.4(CHD7):c.2377-2A>G

Gene: CHD7 (chromodomain helicase DNA binding protein 7; plus strand). Cytogenetic location: 8q12.2.
Variant type: single nucleotide variant.
Coding change: c.2377-2A>G on transcript NM_017780.4 (MANE Select); the canonical splice acceptor site of the intron before coding-DNA position 2377, A replaced by G.
Molecular consequence: splice acceptor variant. On other transcripts: intron variant (1).
Genome position (GRCh38, 1-based): chr8:60,801,526, A>G. VCF-style: chr8-60801526-A-G. GRCh37 (hg19) VCF-style: chr8-61714085-A-G.
Other names: c.1716+20476A>G (NM_001316690.1).
Identifiers: ClinVar variation 2430624 (VCV002430624.2), dbSNP rs2487681869, ClinGen allele CA371301203.
Genomic context (GRCh38, chr8:60,801,526, plus strand): 5'-GCTCTTATAGCTTAGGATGAGATGTTTTCTATTTGGATTGATGCACATGCCTTTTTTTTT[A>G]GGAATCTGTTGATGCAGAAGGCCCAGTGGTAGAAAAAATTATGAGCAGTCGTTCAGTAAA-3'